The following is an entry in ClinVar:

NM_020117.11(LARS1):c.900del (p.Phe300fs)

Gene: LARS1 (leucyl-tRNA synthetase 1; minus strand). Cytogenetic location: 5q32.
Variant type: Deletion.
Coding change: c.900del on transcript NM_020117.11 (MANE Select); coding-DNA position 900, one base deleted (T; older notation c.900delT).
Protein change: p.Phe300fs; shifts the reading frame from phenylalanine 300.
Molecular consequence: frameshift variant.
Genome position (GRCh38, 1-based): chr5:146,157,568, A deleted on the plus strand (T on the coding strand, the reverse complement: LARS1 is on the minus strand); the first of 3 consecutive A bases (chr5:146,157,568-146,157,570); deleting any one gives the same sequence. VCF-style (leftmost placement, unchanged base first): chr5-146157567-CA-C. GRCh37 (hg19) VCF-style: chr5-145537130-CA-C.
Other names: c.762del, p.Phe254fs (NM_001317964.2); c.738del, p.Phe246fs (NM_001317965.2); c.819del, p.Phe273fs (NM_016460.4); short protein forms F273fs, F254fs, F300fs, F246fs.
Identifiers: ClinVar variation 4712611 (VCV004712611.1).
Genomic context (GRCh38, chr5:146,157,567, plus strand): 5'-CATTCACCGTCTCAAATCCAATGTACTTCATATCAGGACGAACCCAACAATTTGTCTGCC[CA>C]AACATGGTCTCAGGTCTGAGAGTAGCAGCCACCAAGAAAATATTTTTACCTTTCAGGCCA-3'

ClinVar aggregate classification (germline): Pathogenic (1 of 4 stars; one submission).

Submission:

Labcorp Genetics (formerly Invitae), Labcorp
Classification: Pathogenic. Last evaluated: 2025-02-20. Review status: criteria provided, single submitter. Criteria: Invitae Variant Classification Sherloc (09022015). Collection method: clinical testing. Allele origin: germline.
Comment: This sequence change creates a premature translational stop signal (p.Phe300Leufs*12) in the LARS gene. It is expected to result in an absent or disrupted protein product. Loss-of-function variants in LARS are known to be pathogenic (PMID: 32699352, 33300650). This variant is not present in population databases (gnomAD no frequency). This variant has not been reported in the literature in individuals affected with LARS-related conditions. For these reasons, this variant has been classified as Pathogenic.

Literature cited by the submitters: PubMed 32699352; PubMed 33300650.